The following is an entry in ClinVar:

ClinVar aggregate classification (germline): Likely benign. Review status: criteria provided, multiple submitters, no conflicts (2 of 4 stars). 4 submissions from 4 submitters: Likely benign (3). 1 of the submissions does not count toward it. Last evaluated 2026-01-20.

Conditions:
Hereditary cancer-predisposing syndrome. Also called: Neoplastic Syndromes, Hereditary; Hereditary neoplastic syndrome; Tumor predisposition; Hereditary Cancer Syndrome. Identifiers: Orphanet 140162, MedGen C0027672, MeSH D009386, MONDO:0015356.
POLD1-related disorder. Also called: POLD1-related condition; POLD1-related disorders.
POLD1-related polyposis and colorectal cancer syndrome (CRCS10). Also called: Colorectal cancer 10; COLORECTAL CANCER, SUSCEPTIBILITY TO, ON CHROMOSOME 19q; Colorectal cancer, susceptibility to, 10. Identifiers: Orphanet 220460, MedGen C2675481, MONDO:0012953, OMIM 612591.

Allele frequency attached by ClinVar (database versions not stated): gnomAD exomes 0.00001; TOPMed 0.00001.
gnomAD v4.1: 16 of 1,556,698 alleles (0.001%); highest among the groups gnomAD compares: Admixed American, 0.0019%; no homozygotes.

Submissions (4):

Labcorp Genetics (formerly Invitae), Labcorp
Classification: Likely benign for POLD1-related polyposis and colorectal cancer syndrome. Last evaluated: 2026-01-20. Review status: criteria provided, single submitter. Criteria: Invitae Variant Classification Sherloc (09022015). Collection method: clinical testing. Allele origin: germline.

GeneDx
Classification: Likely benign. Last evaluated: 2019-08-20. Review status: criteria provided, single submitter. Criteria: GeneDx Variant Classification Process June 2021. Collection method: clinical testing. Allele origin: germline. Affected: yes.

Ambry Genetics
Classification: Likely benign for Hereditary cancer-predisposing syndrome. Last evaluated: 2017-04-10. Review status: criteria provided, single submitter. Criteria: Ambry Variant Classification Scheme 2023. Collection method: clinical testing. Allele origin: germline.

PreventionGenetics, part of Exact Sciences
Classification: Likely benign for POLD1-related condition. Last evaluated: 2023-08-07. Review status: no assertion criteria provided. Collection method: clinical testing. Allele origin: germline. Not counted in ClinVar's aggregate classification.
Comment: This variant is classified as likely benign based on ACMG/AMP sequence variant interpretation guidelines (Richards et al. 2015 PMID: 25741868, with internal and published modifications).

NM_002691.4(POLD1):c.177G>A (p.Gln59=)

Gene: POLD1 (DNA polymerase delta 1, catalytic subunit; plus strand). Cytogenetic location: 19q13.33.
Variant type: single nucleotide variant.
Coding change: c.177G>A on transcript NM_002691.4 (MANE Select); coding-DNA position 177, G replaced by A.
Protein change: p.Gln59=; no amino-acid change (glutamine 59 retained).
Molecular consequence: synonymous variant. On other transcripts: non-coding transcript variant (1).
Genome position (GRCh38, 1-based): chr19:50,399,028, G>A. VCF-style: chr19-50399028-G-A. GRCh37 (hg19) VCF-style: chr19-50902285-G-A.
Other names: c.177G>A, p.Gln59= (NM_001256849.1, NM_001308632.1).
Identifiers: ClinVar variation 469219 (VCV000469219.20), dbSNP rs201261298, ClinGen allele CA309597890.